The following is an entry in ClinVar:

NM_017934.7(PHIP):c.66_75delinsTCCA (p.Leu23_Asp25delinsPro)

Gene: PHIP (PHIP subunit of CUL4-Ring ligase complex; minus strand). Cytogenetic location: 6q14.1.
Variant type: Indel.
Coding change: c.66_75delinsTCCA on transcript NM_017934.7 (MANE Select); coding-DNA positions 66 to 75, CCTGGAAGAT replaced by TCCA.
Protein change: p.Leu23_Asp25delinsPro.
Molecular consequence: inframe indel.
Genome position (GRCh38, 1-based): chr6:79,077,879-79,077,888, ATCTTCCAGG replaced by TGGA on the plus strand (CCTGGAAGAT replaced by TCCA on the coding strand, the reverse complement: PHIP is on the minus strand). VCF-style: chr6-79077879-ATCTTCCAGG-TGGA. GRCh37 (hg19) VCF-style: chr6-79787596-ATCTTCCAGG-TGGA.
Identifiers: ClinVar variation 5009761 (VCV005009761.1).

ClinVar aggregate classification (germline): Uncertain significance (1 of 4 stars; one submission).

Submission:

GeneDx
Classification: Uncertain significance. Last evaluated: 2026-02-18. Review status: criteria provided, single submitter. Criteria: GeneDx Variant Classification Process June 2021. Collection method: clinical testing. Allele origin: germline.
Comment: Not observed at significant frequency in large population cohorts (gnomAD); In-frame deletion of three amino acids and insertion of one different amino acid in a non-repeat region; In silico analysis supports a deleterious effect on protein structure/function; Has not been previously published as pathogenic or benign to our knowledge.